The following is an entry in ClinVar:

ClinVar aggregate classification (germline): Likely benign (1 of 4 stars; one submission).

Allele frequency attached by ClinVar (database versions not stated): 1000 Genomes Project 30x 0.00219; 1000 Genomes Project 0.00240; ExAC 0.00286; gnomAD 0.00314; ESP Exome Variant Server 0.00361; TOPMed 0.00394.

Submission:

CeGaT Center for Human Genetics Tuebingen
Classification: Likely benign. Last evaluated: 2022-06-01. Review status: criteria provided, single submitter. Criteria: CeGaT Center For Human Genetics Tuebingen Variant Classification Criteria Version 2. Collection method: clinical testing. Allele origin: germline. Affected: yes. Observed: 1 variant allele.
Comment: TREML4: BP4, BP7

NM_198153.3(TREML4):c.345C>T (p.Ser115=)

Gene: TREML4 (triggering receptor expressed on myeloid cells like 4; plus strand). Cytogenetic location: 6p21.1.
Variant type: single nucleotide variant.
Coding change: c.345C>T on transcript NM_198153.3 (MANE Select); coding-DNA position 345, C replaced by T.
Protein change: p.Ser115=; no amino-acid change (serine 115 retained).
Molecular consequence: synonymous variant.
Genome position (GRCh38, 1-based): chr6:41,228,995, C>T. VCF-style: chr6-41228995-C-T. GRCh37 (hg19) VCF-style: chr6-41196733-C-T.
Identifiers: ClinVar variation 2656542 (VCV002656542.24), dbSNP rs147088240, ClinGen allele CA3799479.